The following is an entry in ClinVar:

ClinVar aggregate classification (germline): Conflicting classifications of pathogenicity. Review status: criteria provided, conflicting classifications (1 of 4 stars). 7 submissions from 7 submitters: Uncertain significance (6); Likely benign (1). Last evaluated 2025-12-23.

Conditions:
Beckwith-Wiedemann syndrome (BWS). Also called: Exomphalos macroglossia gigantism syndrome; EMG SYNDROME. Identifiers: Orphanet 116, MedGen C0004903, MONDO:0007534, OMIM 130650.
GLUT1 deficiency syndrome 1, autosomal recessive. Identifiers: MedGen C3149117.

Allele frequency attached by ClinVar (database versions not stated): ExAC 0.00002; gnomAD exomes 0.00003; gnomAD 0.00004 and 0.00005; TOPMed 0.00006; ESP Exome Variant Server 0.00008.
gnomAD v4.1: 56 of 1,614,056 alleles (0.0035%); highest among the groups gnomAD compares: Middle Eastern, 0.066%; no homozygotes.

Submissions (7):

Labcorp Genetics (formerly Invitae), Labcorp
Classification: Likely benign for GLUT1 deficiency syndrome 1, autosomal recessive. Last evaluated: 2025-12-23. Review status: criteria provided, single submitter. Criteria: Invitae Variant Classification Sherloc (09022015). Collection method: clinical testing. Allele origin: germline.

Center for Genomic Medicine, Rigshospitalet, Copenhagen University Hospital
Classification: Uncertain significance. Last evaluated: 2025-03-04. Review status: criteria provided, single submitter. Criteria: ACMG Guidelines, 2015. Collection method: clinical testing. Allele origin: germline.

CeGaT Center for Human Genetics Tuebingen
Classification: Uncertain significance. Last evaluated: 2024-12-01. Review status: criteria provided, single submitter. Criteria: CeGaT Center For Human Genetics Tuebingen Variant Classification Criteria Version 2. Collection method: clinical testing. Allele origin: germline. Affected: yes. Observed: 1 variant allele.
Comment: SLC2A1: PM2, BP4

Cambridge Genomics Laboratory, East Genomic Laboratory Hub, NHS Genomic Medicine Service
Classification: Uncertain significance for Beckwith-Wiedemann syndrome. Last evaluated: 2019-10-21. Review status: criteria provided, single submitter. Criteria: ACGS Best Practice Guidelines for Variant Classification in Rare Disease 2020. Collection method: clinical testing. Allele origin: germline. Affected: yes. Observed: 1 variant allele.

Mayo Clinic Laboratories, Mayo Clinic
Classification: Uncertain significance. Last evaluated: 2019-04-07. Review status: criteria provided, single submitter. Criteria: ACMG Guidelines, 2015. Collection method: clinical testing. Allele origin: germline. Observed: 1 variant allele.

Blueprint Genetics
Classification: Uncertain significance. Last evaluated: 2019-01-30. Review status: criteria provided, single submitter. Criteria: ACMG Guidelines, 2015. Collection method: clinical testing. Allele origin: germline.

Eurofins Ntd Llc (ga)
Classification: Uncertain significance. Last evaluated: 2017-03-24. Review status: criteria provided, single submitter. Criteria: EGL Classification Definitions 2015. Collection method: clinical testing. Allele origin: germline. Observed: 1 variant allele, 1 heterozygote.

NM_006516.4(SLC2A1):c.179C>T (p.Thr60Met)

Gene: SLC2A1 (solute carrier family 2 member 1; minus strand). Cytogenetic location: 1p34.2.
Variant type: single nucleotide variant.
Coding change: c.179C>T on transcript NM_006516.4 (MANE Select); coding-DNA position 179, C replaced by T.
Protein change: p.Thr60Met; replaces threonine 60 with methionine.
Molecular consequence: missense variant.
Genome position (GRCh38, 1-based): chr1:42,931,142, G>A on the plus strand (C>T on the coding strand, the complement: SLC2A1 is on the minus strand). VCF-style: chr1-42931142-G-A. GRCh37 (hg19) VCF-style: chr1-43396813-G-A.
Other names: short protein forms T60M.
Identifiers: ClinVar variation 406881 (VCV000406881.33), dbSNP rs142986731, ClinGen allele CA803599.